The following is an entry in ClinVar:

ClinVar aggregate classification (germline): Uncertain significance (1 of 4 stars; one submission).

gnomAD v4.1: 2 of 1,612,300 alleles (0.00012%); highest among the groups gnomAD compares: Non-Finnish European, 0.00017%; no homozygotes.

Submission:

Labcorp Genetics (formerly Invitae), Labcorp
Classification: Uncertain significance. Last evaluated: 2024-09-12. Review status: criteria provided, single submitter. Criteria: Invitae Variant Classification Sherloc (09022015). Collection method: clinical testing. Allele origin: germline.
Comment: This sequence change replaces threonine, which is neutral and polar, with isoleucine, which is neutral and non-polar, at codon 378 of the TMPRSS15 protein (p.Thr378Ile). This variant is not present in population databases (gnomAD no frequency). This variant has not been reported in the literature in individuals affected with TMPRSS15-related conditions. An algorithm developed to predict the effect of missense changes on protein structure and function (PolyPhen-2) suggests that this variant is likely to be disruptive. In summary, the available evidence is currently insufficient to determine the role of this variant in disease. Therefore, it has been classified as a Variant of Uncertain Significance.

NM_002772.3(TMPRSS15):c.1133C>T (p.Thr378Ile)

Gene: TMPRSS15 (transmembrane serine protease 15; minus strand). Cytogenetic location: 21q21.1.
Variant type: single nucleotide variant.
Coding change: c.1133C>T on transcript NM_002772.3 (MANE Select); coding-DNA position 1133, C replaced by T.
Protein change: p.Thr378Ile; replaces threonine 378 with isoleucine.
Molecular consequence: missense variant.
Genome position (GRCh38, 1-based): chr21:18,352,941, G>A on the plus strand (C>T on the coding strand, the complement: TMPRSS15 is on the minus strand). VCF-style: chr21-18352941-G-A. GRCh37 (hg19) VCF-style: chr21-19725258-G-A.
Other names: c.1268C>T, p.Thr423Ile (NM_001428056.1); c.1133C>T, p.Thr378Ile (NM_001428057.1); short protein forms T423I, T378I.
Identifiers: ClinVar variation 3669368 (VCV003669368.2).